The following is an entry in ClinVar:

ClinVar aggregate classification (germline): Likely pathogenic. Review status: criteria provided, multiple submitters, no conflicts (2 of 4 stars). 2 submissions from 2 submitters: Likely pathogenic (2). Last evaluated 2026-06-29.

Conditions:
PCNT-related disorder. Also called: PCNT-related condition.
Microcephalic osteodysplastic primordial dwarfism type II (MOPD2). Also called: Microcephalic osteodysplastic primordial dwarfism with tooth abnormalities; MOPD II; OSTEODYSPLASTIC PRIMORDIAL DWARFISM, TYPE II. Identifiers: Orphanet 2637, MedGen C0432246, MONDO:0008872, OMIM 210720.

Submissions (2):

PreventionGenetics, part of Exact Sciences
Classification: Likely pathogenic for PCNT-related condition. Last evaluated: 2026-06-29. Review status: criteria provided, single submitter. Criteria: ACMG Guidelines, 2015. Collection method: clinical testing. Allele origin: germline.
Comment: The PCNT c.1261dupG variant is predicted to result in a frameshift and premature protein termination (p.Glu421Glyfs*37). To our knowledge, this variant has not been reported in the literature. This variant is reported in 0.0062% of alleles in individuals of African descent in gnomAD. Frameshift variants in PCNT are expected to be pathogenic. This variant is interpreted as likely pathogenic.

Fulgent Genetics
Classification: Likely pathogenic for Microcephalic osteodysplastic primordial dwarfism type II. Last evaluated: 2024-01-31. Review status: criteria provided, single submitter. Criteria: ACMG Guidelines, 2015. Collection method: clinical testing. Allele origin: germline.

NM_006031.6(PCNT):c.1261dup (p.Glu421fs)

Gene: PCNT (pericentrin; plus strand). Cytogenetic location: 21q22.3.
Variant type: Duplication.
Coding change: c.1261dup on transcript NM_006031.6 (MANE Select); coding-DNA position 1261, one base duplicated (G; older notation c.1261dupG).
Protein change: p.Glu421fs; shifts the reading frame from glutamic acid 421.
Molecular consequence: frameshift variant.
Genome position (GRCh38, 1-based): chr21:46,349,737, G duplicated. VCF-style (leftmost placement, unchanged base first): chr21-46349736-T-TG. GRCh37 (hg19) VCF-style: chr21-47769650-T-TG.
Other names: c.1261dupG (NM_006031.5); c.907dup, p.Glu303fs (NM_001315529.2); short protein forms E303fs, E421fs.
Identifiers: ClinVar variation 3587728 (VCV003587728.2).